The following is an entry in ClinVar:

NM_001267550.2(TTN):c.74656G>A (p.Glu24886Lys)

Genes: TTN-AS1 (TTN antisense RNA 1; plus strand), TTN (titin; minus strand). Cytogenetic location: 2q31.2.
Variant type: single nucleotide variant.
Coding change: c.74656G>A on transcript NM_001267550.2 (MANE Select); coding-DNA position 74656, G replaced by A.
Protein change: p.Glu24886Lys; replaces glutamic acid 24886 with lysine.
Molecular consequence: missense variant.
Genome position (GRCh38, 1-based): chr2:178,571,476, C>T on the plus strand (G>A on the coding strand, the complement: TTN is on the minus strand). VCF-style: chr2-178571476-C-T. GRCh37 (hg19) VCF-style: chr2-179436203-C-T.
Other names: c.69733G>A, p.Glu23245Lys (NM_001256850.1); c.47461G>A, p.Glu15821Lys (NM_003319.4); c.66952G>A, p.Glu22318Lys (NM_133378.4); c.47836G>A, p.Glu15946Lys (NM_133432.3); c.48037G>A, p.Glu16013Lys (NM_133437.4); short protein forms E16013K, E22318K, E23245K, E24886K, E15821K, E15946K.
Identifiers: ClinVar variation 1742797 (VCV001742797.27), dbSNP rs1239424185, ClinGen allele CA349632391.

ClinVar aggregate classification (germline): Conflicting classifications of pathogenicity. Review status: criteria provided, conflicting classifications (1 of 4 stars). 2 submissions from 2 submitters: Uncertain significance (1); Benign (1). Last evaluated 2025-04-09.

Conditions:
Cardiovascular phenotype. Identifiers: MedGen CN230736.

Allele frequency attached by ClinVar (database versions not stated): TOPMed 0.00001.
gnomAD v4.1: 2 of 1,613,382 alleles (0.00012%); highest among the groups gnomAD compares: Non-Finnish European, 0.00017%; no homozygotes.

Submissions (2):

Ambry Genetics
Classification: Benign for Cardiovascular phenotype. Last evaluated: 2025-04-09. Review status: criteria provided, single submitter. Criteria: Ambry Variant Classification Scheme 2023. Collection method: clinical testing. Allele origin: germline.

CeGaT Center for Human Genetics Tuebingen
Classification: Uncertain significance. Last evaluated: 2024-09-01. Review status: criteria provided, single submitter. Criteria: CeGaT Center For Human Genetics Tuebingen Variant Classification Criteria Version 2. Collection method: clinical testing. Allele origin: germline. Affected: yes. Observed: 3 variant alleles.
Comment: TTN: PM2